The following is an entry in ClinVar:

NM_001376.5(DYNC1H1):c.9142G>A (p.Glu3048Lys)

Genes: DYNC1H1 (dynein cytoplasmic 1 heavy chain 1; plus strand), LOC126862060 (BRD4-independent group 4 enhancer GRCh37_chr14:102493659-102494858; plus strand). Cytogenetic location: 14q32.31.
Variant type: single nucleotide variant.
Coding change: c.9142G>A on transcript NM_001376.5 (MANE Select); coding-DNA position 9142, G replaced by A.
Protein change: p.Glu3048Lys; replaces glutamic acid 3048 with lysine.
Molecular consequence: missense variant.
Genome position (GRCh38, 1-based): chr14:102,027,712, G>A. VCF-style: chr14-102027712-G-A. GRCh37 (hg19) VCF-style: chr14-102494049-G-A.
Other names: c.9142G>A (NM_001376.4); short protein forms E3048K.
Identifiers: ClinVar variation 497397 (VCV000497397.53), dbSNP rs1555410941, ClinGen allele CA391011198.

ClinVar aggregate classification (germline): Conflicting classifications of pathogenicity. Review status: criteria provided, conflicting classifications (1 of 4 stars). 8 submissions from 8 submitters: Pathogenic (2); Likely pathogenic (1); Uncertain significance (1). 4 of the submissions do not count toward it. Last evaluated 2026-08-01.

Conditions:
Cortical dysplasia, complex, with other brain malformations 13. Also called: Intellectual disability, autosomal dominant 13. Identifiers: MedGen C3281202, MONDO:0013805, OMIM 614563.
Charcot-Marie-Tooth disease axonal type 2O. Also called: CHARCOT-MARIE-TOOTH NEUROPATHY, AXONAL, TYPE 2O; CHARCOT-MARIE-TOOTH DISEASE, AXONAL, AUTOSOMAL DOMINANT, TYPE 2O; Charcot-Marie-Tooth disease, axonal, type 20; Charcot-Marie-Tooth Neuropathy Type 2O. Identifiers: Orphanet 284232, MedGen C3280220, MONDO:0013644, OMIM 614228.

Submissions (8):

CeGaT Center for Human Genetics Tuebingen
Classification: Likely pathogenic. Last evaluated: 2026-08-01. Review status: criteria provided, single submitter. Criteria: CeGaT Center For Human Genetics Tuebingen Variant Classification Criteria Version 2. Collection method: clinical testing. Allele origin: germline. Affected: yes. Observed: 2 variant alleles.
Comment: DYNC1H1: PM2, PM6, PS4:Moderate, PP2

GeneDx
Classification: Pathogenic. Last evaluated: 2025-08-28. Review status: criteria provided, single submitter. Criteria: GeneDx Variant Classification Process June 2021. Collection method: clinical testing. Allele origin: germline. Affected: yes.
Comment: In silico analysis supports that this missense variant has a deleterious effect on protein structure/function; Not observed at significant frequency in large population cohorts (gnomAD); This variant is associated with the following publications: (PMID: 28554554, 24307404, 26100331, 24970098, 28602352, 33726816, 25512093, 25609763, 37806997, 37486637)

Labcorp Genetics (formerly Invitae), Labcorp
Classification: Pathogenic for Charcot-Marie-Tooth disease axonal type 2O. Last evaluated: 2024-10-07. Review status: criteria provided, single submitter. Criteria: Invitae Variant Classification Sherloc (09022015). Collection method: clinical testing. Allele origin: germline.
Comment: This sequence change replaces glutamic acid, which is acidic and polar, with lysine, which is basic and polar, at codon 3048 of the DYNC1H1 protein (p.Glu3048Lys). This variant is not present in population databases (gnomAD no frequency). This missense change has been observed in individual(s) with DYNC1H1-related conditions (PMID: 24307404). In at least one individual the variant was observed to be de novo. ClinVar contains an entry for this variant (Variation ID: 497397). Invitae Evidence Modeling of protein sequence and biophysical properties (such as structural, functional, and spatial information, amino acid conservation, physicochemical variation, residue mobility, and thermodynamic stability) indicates that this missense variant is expected to disrupt DYNC1H1 protein function with a positive predictive value of 95%. Experimental studies are conflicting or provide insufficient evidence to determine the effect of this variant on DYNC1H1 function (PMID: 24307404). For these reasons, this variant has been classified as Pathogenic.

Eurofins Ntd Llc (ga)
Classification: Uncertain significance. Last evaluated: 2016-11-01. Review status: criteria provided, single submitter. Criteria: EGL Classification Definitions 2015. Collection method: clinical testing. Allele origin: germline. Observed: 1 variant allele, 1 heterozygote.

Clinical Genetics Laboratory, University Hospital Schleswig-Holstein
Classification: Likely pathogenic for Cortical dysplasia, complex, with other brain malformations 13. Last evaluated: 2024-02-14. Review status: no assertion criteria provided. Collection method: clinical testing. Allele origin: germline. Affected: yes. Not counted in ClinVar's aggregate classification.

Inherited Neuropathy Consortium Ii, University Of Miami
Classification: Uncertain significance for Charcot-Marie-Tooth disease axonal type 2O. Last evaluated: 2016-01-06. Review status: no assertion criteria provided. Collection method: literature only. Allele origin: germline. Affected: yes. Not counted in ClinVar's aggregate classification.

Clinical Genetics DNA and cytogenetics Diagnostics Lab, Erasmus MC, Erasmus Medical Center
Classification: Likely pathogenic. Review status: no assertion criteria provided. Collection method: clinical testing. Allele origin: germline. Affected: yes. Study: VKGL Data-share Consensus. Not counted in ClinVar's aggregate classification.

Joint Genome Diagnostic Labs from Nijmegen and Maastricht, Radboudumc and MUMC+
Classification: Likely pathogenic. Review status: no assertion criteria provided. Collection method: clinical testing. Allele origin: germline. Affected: yes. Study: VKGL Data-share Consensus. Not counted in ClinVar's aggregate classification.

Literature cited by the submitters: PubMed 24307404 (cited by 3 submitters).